The following is an entry in ClinVar:

ClinVar aggregate classification (germline): Uncertain significance (1 of 4 stars; one submission).

Submission:

GeneDx
Classification: Uncertain significance. Last evaluated: 2022-03-02. Review status: criteria provided, single submitter. Criteria: GeneDx Variant Classification Process June 2021. Collection method: clinical testing. Allele origin: germline. Affected: yes.
Comment: Not observed at significant frequency in large population cohorts (gnomAD); In silico analysis supports that this missense variant has a deleterious effect on protein structure/function; Has not been previously published as pathogenic or benign to our knowledge

NM_002968.3(SALL1):c.1405C>G (p.Arg469Gly)

Gene: SALL1 (spalt like transcription factor 1; minus strand). Cytogenetic location: 16q12.1.
Variant type: single nucleotide variant.
Coding change: c.1405C>G on transcript NM_002968.3 (MANE Select); coding-DNA position 1405, C replaced by G.
Protein change: p.Arg469Gly; replaces arginine 469 with glycine.
Molecular consequence: missense variant.
Genome position (GRCh38, 1-based): chr16:51,140,817, G>C on the plus strand (C>G on the coding strand, the complement: SALL1 is on the minus strand). VCF-style: chr16-51140817-G-C. GRCh37 (hg19) VCF-style: chr16-51174728-G-C.
Other names: c.1114C>G, p.Arg372Gly (NM_001127892.2); short protein forms R372G, R469G.
Identifiers: ClinVar variation 1704012 (VCV001704012.2), dbSNP rs1057523061, ClinGen allele CA395888703.
Genomic context (GRCh38, chr16:51,140,817, plus strand): 5'-TGGTGGAGAACCTGTTCCCGCAGATGTTGCACTTGAATGGCCTCTCTCCGGTATGGGAAC[G>C]CAAGTGGATCTGCAAGGCACTGTCACTCCCAAAGACCTTCGCGCAGAACCTGCACTTGTG-3'
Protein context (NP_002959.2, residues 459-479): GSDSALQIHL[Arg469Gly]SHTGERPFKC